The following is an entry in ClinVar:

NM_000202.8(IDS):c.1186_1187insTGCCT (p.Gln396fs)

Gene: IDS (iduronate 2-sulfatase; minus strand). Cytogenetic location: Xq28.
Variant type: Insertion.
Coding change: c.1186_1187insTGCCT on transcript NM_000202.8 (MANE Select); coding-DNA positions 1186 to 1187, TGCCT inserted.
Protein change: p.Gln396fs; shifts the reading frame from glutamine 396.
Molecular consequence: frameshift variant.
Genome position: GRCh38 VCF-style: chrX-149483212-T-TAGGCA. GRCh37 (hg19) VCF-style: chrX-148564743-T-TAGGCA.
Other names: c.916_917insTGCCT, p.Gln306fs (NM_001166550.4); short protein forms Q306fs, Q396fs.
Identifiers: ClinVar variation 3255984 (VCV003255984.2).
Genomic context (GRCh38, chrX:149,483,212, plus strand): 5'-AGTCCTGCAAGTCCAGCCAGCGTGGGAAAAAGAGACACAAGTTCCACAAGGTCCATGGAT[T>TAGGCA]GCCTGCCTGAAACAGGAAGCGACAGAGCAGAATGGGTTACATTATAAAAGCCTGCCATGG-3'

ClinVar aggregate classification (germline): Pathogenic (1 of 4 stars; one submission).

Conditions:
Mucopolysaccharidosis, MPS-II (MPS2). Also called: Hunter Syndrome; IDURONATE 2-SULFATASE DEFICIENCY; Mucopolysaccharidosis Type II; Mucopolysaccharidosis type 2; Attenuated MPS (subtype; formerly known as mild MPS II); Severe MPS II. Identifiers: Orphanet 580, Orphanet 79388, MedGen C0026705, MONDO:0010674, OMIM 309900.

Submission:

Laboratory of Diagnosis and Therapy of Lysosomal Disorders, University of Padova
Classification: Pathogenic for Mucopolysaccharidosis, MPS-II. Last evaluated: 2024-06-07. Review status: criteria provided, single submitter. Criteria: ACMG Guidelines, 2015. Collection method: literature only. Allele origin: germline. Affected: yes. Observed: 1 variant allele.
Comment: Null variant (PVS1_Strong), Absent from controls (or at low frequency) in gnomAD database (PM2_Moderate), Patient’s phenotype or family history highly specific for the disease (PP4_Strong)

Classification method: ACMG Guidelines [PMID:25741868] with modifications

Literature cited by the submitters: PubMed 22976768.